The following is an entry in ClinVar:

NM_001754.5(RUNX1):c.535G>A (p.Val179Ile)

Genes: RUNX1 (RUNX family transcription factor 1; minus strand), RUNX1-AS1 (RUNX1 antisense RNA 1; plus strand). Cytogenetic location: 21q22.12.
Variant type: single nucleotide variant.
Coding change: c.535G>A on transcript NM_001754.5 (MANE Select); coding-DNA position 535, G replaced by A.
Protein change: p.Val179Ile; replaces valine 179 with isoleucine.
Molecular consequence: missense variant.
Genome position (GRCh38, 1-based): chr21:34,859,552, C>T on the plus strand (G>A on the coding strand, the complement: RUNX1 is on the minus strand). VCF-style: chr21-34859552-C-T. GRCh37 (hg19) VCF-style: chr21-36231849-C-T.
Other names: NM_001754.5(RUNX1):c.535G>A; p.Val179Ile; c.454G>A, p.Val152Ile (NM_001001890.3, NM_001122607.2); c.535G>A (NM_001754.4); short protein forms V152I, V179I.
Identifiers: ClinVar variation 1001532 (VCV001001532.9), dbSNP rs1302205736, ClinGen allele CA410208104.
Genomic context (GRCh38, chr21:34,859,552, plus strand): 5'-CATCCACTGTGATTTTGATGGCTCTGTGGTAGGTGGCGACTTGCGGTGGGTTTGTGAAGA[C>T]AGTGATGGTCAGAGTGAAGCTTTTCCCTGTGGGGACACGATAGAGAACAAAACAGAATGA-3'
Protein context (NP_001745.2, residues 169-189): RGKSFTLTIT[Val179Ile]FTNPPQVATY

ClinVar aggregate classification (germline): Uncertain significance. Review status: reviewed by expert panel (3 of 4 stars). 3 submissions from 3 submitters: Uncertain significance (1). 2 of the submissions do not count toward it. Last evaluated 2024-09-25.

Conditions:
Inborn genetic diseases. Identifiers: MedGen C0950123, MeSH D030342.
Hereditary thrombocytopenia and hematological cancer predisposition syndrome associated with RUNX1. Also called: Familial thrombocytopenia with propensity to acute myelogenous leukemia; PLATELET DISORDER, ASPIRIN-LIKE; RUNX1 Familial Platelet Disorder with Associated Myeloid Malignancies; Familial Platelet Disorder with Propensity to Acute Myelogenous Leukemia. Identifiers: Orphanet 71290, MedGen C1832388, MeSH C563324, MONDO:0100083, OMIM 601399.
Hereditary thrombocytopenia and hematologic cancer predisposition syndrome. Identifiers: Orphanet 71290, MedGen CN281654, MONDO:0011071.

Allele frequency attached by ClinVar (database versions not stated): gnomAD exomes below 0.00001.
gnomAD v4.1: 1 of 1,614,098 alleles (0.000062%); highest among the groups gnomAD compares: Non-Finnish European, 0.000085%; no homozygotes.

Submissions (3):

ClinGen Myeloid Malignancy Variant Curation Expert Panel
Classification: Uncertain significance for Hereditary thrombocytopenia and hematologic cancer predisposition syndrome. Last evaluated: 2024-09-25. Review status: reviewed by expert panel. Criteria: ClinGen MyeloMalig ACMG Specifications v2. Collection method: curation. Allele origin: germline. Inheritance: Autosomal dominant inheritance.
Comment: This variant is completely absent from all population databases with at least 20x coverage for RUNX1 (PM2_Supporting). This variant affects a residue within the Runt Homology domain (AA 89-294) but does not impact a residue which has been established as a hotspot (PM1_Supporting). In summary, the clinical significance of this variant is uncertain. ACMG/AMP criteria applied, as specified by the Myeloid Malignancy Variant Curation Expert Panel for RUNX1: PM2_supporting, PM1_supporting.

Ambry Genetics
Classification: Uncertain significance for Inborn genetic diseases. Last evaluated: 2025-09-01. Review status: criteria provided, single submitter. Criteria: Ambry Variant Classification Scheme 2023. Collection method: clinical testing. Allele origin: germline. Not counted in ClinVar's aggregate classification.
Comment: The p.V179I variant (also known as c.535G>A), located in coding exon 5 of the RUNX1 gene, results from a G to A substitution at nucleotide position 535. The valine at codon 179 is replaced by isoleucine, an amino acid with highly similar properties. This amino acid position is conserved. In addition, this alteration is predicted to be deleterious by in silico analysis. Based on the available evidence, the clinical significance of this variant remains unclear.

Labcorp Genetics (formerly Invitae), Labcorp
Classification: Uncertain significance for Hereditary thrombocytopenia and hematological cancer predisposition syndrome associated with RUNX1. Last evaluated: 2021-12-17. Review status: criteria provided, single submitter. Criteria: Invitae Variant Classification Sherloc (09022015). Collection method: clinical testing. Allele origin: germline. Not counted in ClinVar's aggregate classification.
Comment: In summary, the available evidence is currently insufficient to determine the role of this variant in disease. Therefore, it has been classified as a Variant of Uncertain Significance. Algorithms developed to predict the effect of missense changes on protein structure and function are either unavailable or do not agree on the potential impact of this missense change (SIFT: "Tolerated"; PolyPhen-2: "Possibly Damaging"; Align-GVGD: "Class C0"). ClinVar contains an entry for this variant (Variation ID: 1001532). This variant has not been reported in the literature in individuals affected with RUNX1-related conditions. This variant is present in population databases (no rsID available, gnomAD 0.0009%). This sequence change replaces valine, which is neutral and non-polar, with isoleucine, which is neutral and non-polar, at codon 179 of the RUNX1 protein (p.Val179Ile).